The following is an entry in ClinVar:

ClinVar aggregate classification (germline): Pathogenic/Likely pathogenic. Review status: criteria provided, multiple submitters, no conflicts (2 of 4 stars). 3 submissions from 3 submitters: Pathogenic (2); Likely pathogenic (1). Last evaluated 2024-11-24.

Conditions:
Myopia 26, X-linked, female-limited. Identifiers: MedGen C4538795, MONDO:0049221, OMIM 301010.

Allele frequency attached by ClinVar (database versions not stated): gnomAD exomes below 0.00001.
gnomAD v4.1: 5 of 1,207,737 alleles (0.00041%); highest among the groups gnomAD compares: Non-Finnish European, 0.00045%; no homozygotes.

Submissions (3):

GeneDx
Classification: Likely pathogenic. Last evaluated: 2024-11-24. Review status: criteria provided, single submitter. Criteria: GeneDx Variant Classification Process June 2021. Collection method: clinical testing. Allele origin: germline. Affected: yes.
Comment: Canonical splice site variant in a gene or region of a gene for which loss of function is not a well-established mechanism of disease; Not observed at significant frequency in large population cohorts (gnomAD); This variant is associated with the following publications: (PMID: 35001458, 36964802, 36769483, 35567543)

3billion
Classification: Pathogenic for Myopia 26, X-linked, female-limited. Last evaluated: 2024-10-10. Review status: criteria provided, single submitter. Criteria: ACMG Guidelines, 2015. Collection method: clinical testing. Allele origin: germline. Affected: yes.
Comment: The variant is observed at an extremely low frequency in the gnomAD v4.1.0 dataset (total allele frequency: <0.001%). Predicted Consequence/Location: Canonical splice site: predicted to alter splicing and result in a loss or disruption of normal protein function. Multiple pathogenic loss-of-function variants are reported downstream of the variant. In silico tools predict the variant to alter splicing and produce an abnormal transcript [SpliceAI: 0.79 (spliceogenicity >=0.2, non-spliceogenicity <0.1)]. The variant has been reported to be associated with ARR3 related disorder (ClinVar ID: VCV003250960 /PMID: 35001458). Therefore, this variant is classified as Pathogenic according to the recommendation of ACMG/AMP guideline.

CeGaT Center for Human Genetics Tuebingen
Classification: Pathogenic. Last evaluated: 2024-06-01. Review status: criteria provided, single submitter. Criteria: CeGaT Center For Human Genetics Tuebingen Variant Classification Criteria Version 2. Collection method: clinical testing. Allele origin: germline. Affected: yes. Observed: 3 variant alleles.
Comment: ARR3: PVS1, PM2, PP1

Literature cited by the submitters: PubMed 35001458 (cited by 3billion).

NM_004312.3(ARR3):c.767+1G>A

Gene: ARR3 (arrestin 3; plus strand). Cytogenetic location: Xq13.1.
Variant type: single nucleotide variant.
Coding change: c.767+1G>A on transcript NM_004312.3 (MANE Select); the canonical splice donor site of the intron after coding-DNA position 767, G replaced by A.
Molecular consequence: splice donor variant.
Genome position (GRCh38, 1-based): chrX:70,278,139, G>A. VCF-style: chrX-70278139-G-A. GRCh37 (hg19) VCF-style: chrX-69497989-G-A.
Identifiers: ClinVar variation 3250960 (VCV003250960.19), dbSNP rs2520934320.